The following is an entry in ClinVar:

ClinVar aggregate classification (germline): Likely benign. Review status: criteria provided, multiple submitters, no conflicts (2 of 4 stars). 3 submissions from 3 submitters: Likely benign (2). 1 of the submissions does not count toward it. Last evaluated 2019-12-31.

Conditions:
ADCY6-related disorder. Also called: ADCY6-related condition.

Allele frequency attached by ClinVar (database versions not stated): gnomAD 0.00001 and 0.00002; gnomAD exomes 0.00002 and 0.00004; TOPMed 0.00002; ExAC 0.00003.
gnomAD v4.1: 42 of 1,610,242 alleles (0.0026%); highest among the groups gnomAD compares: Middle Eastern, 0.099%; no homozygotes.

Submissions (3):

Labcorp Genetics (formerly Invitae), Labcorp
Classification: Likely benign. Last evaluated: 2019-12-31. Review status: criteria provided, single submitter. Criteria: Invitae Variant Classification Sherloc (09022015). Collection method: clinical testing. Allele origin: germline.

Breakthrough Genomics
Classification: Likely benign. Review status: criteria provided, single submitter. Criteria: ACMG Guidelines, 2015. Collection method: not provided. Allele origin: germline. Inheritance: Autosomal recessive inheritance. Affected: yes.

PreventionGenetics, part of Exact Sciences
Classification: Likely benign for ADCY6-related condition. Last evaluated: 2019-07-11. Review status: no assertion criteria provided. Collection method: clinical testing. Allele origin: germline. Not counted in ClinVar's aggregate classification.
Comment: This variant is classified as likely benign based on ACMG/AMP sequence variant interpretation guidelines (Richards et al. 2015 PMID: 25741868, with internal and published modifications).

NM_015270.5(ADCY6):c.327C>T (p.Asp109=)

Gene: ADCY6 (adenylate cyclase 6; minus strand). Cytogenetic location: 12q13.12.
Variant type: single nucleotide variant.
Coding change: c.327C>T on transcript NM_015270.5 (MANE Select); coding-DNA position 327, C replaced by T.
Protein change: p.Asp109=; no amino-acid change (aspartic acid 109 retained).
Molecular consequence: synonymous variant.
Genome position (GRCh38, 1-based): chr12:48,783,108, G>A on the plus strand (C>T on the coding strand, the complement: ADCY6 is on the minus strand). VCF-style: chr12-48783108-G-A. GRCh37 (hg19) VCF-style: chr12-49176891-G-A.
Identifiers: ClinVar variation 793415 (VCV000793415.7), dbSNP rs755937305, ClinGen allele CA6541600.